The following is an entry in ClinVar:

NM_030662.4(MAP2K2):c.85G>A (p.Ala29Thr)

Genes: MAP2K2 (mitogen-activated protein kinase kinase 2; minus strand), LOC130063193 (ATAC-STARR-seq lymphoblastoid silent region 9881; plus strand). Cytogenetic location: 19p13.3.
Variant type: single nucleotide variant.
Coding change: c.85G>A on transcript NM_030662.4 (MANE Select); coding-DNA position 85, G replaced by A.
Protein change: p.Ala29Thr; replaces alanine 29 with threonine.
Molecular consequence: missense variant.
Genome position (GRCh38, 1-based): chr19:4,123,791, C>T on the plus strand (G>A on the coding strand, the complement: MAP2K2 is on the minus strand). VCF-style: chr19-4123791-C-T. GRCh37 (hg19) VCF-style: chr19-4123788-C-T.
Other names: c.85G>A, p.Ala29Thr (NM_001440688.1); short protein forms A29T.
Identifiers: ClinVar variation 4695874 (VCV004695874.1).

ClinVar aggregate classification (germline): Uncertain significance (1 of 4 stars; one submission).

Conditions:
RASopathy. Also called: rasopathies; Noonan spectrum disorder. Identifiers: Orphanet 536391, MedGen C5555857, MONDO:0021060.

gnomAD v4.1: 1 of 1,557,778 alleles (0.000064%); highest among the groups gnomAD compares: African/African-American, 0.0014%; no homozygotes.

Submission:

Labcorp Genetics (formerly Invitae), Labcorp
Classification: Uncertain significance for RASopathy. Last evaluated: 2025-08-10. Review status: criteria provided, single submitter. Criteria: Invitae Variant Classification Sherloc (09022015). Collection method: clinical testing. Allele origin: germline.
Comment: This sequence change replaces alanine, which is neutral and non-polar, with threonine, which is neutral and polar, at codon 29 of the MAP2K2 protein (p.Ala29Thr). This variant is not present in population databases (gnomAD no frequency). This variant has not been reported in the literature in individuals affected with MAP2K2-related conditions. Invitae Evidence Modeling of protein sequence and biophysical properties (such as structural, functional, and spatial information, amino acid conservation, physicochemical variation, residue mobility, and thermodynamic stability) has been performed for this missense variant. However, the output from this modeling did not meet the statistical confidence thresholds required to predict the impact of this variant on MAP2K2 protein function. In summary, the available evidence is currently insufficient to determine the role of this variant in disease. Therefore, it has been classified as a Variant of Uncertain Significance.